The following is an entry in ClinVar:

ClinVar aggregate classification (germline): Pathogenic (1 of 4 stars; one submission).

Conditions:
Muscular dystrophy-dystroglycanopathy (congenital with impaired intellectual development), type B, 2. Also called: MUSCULAR DYSTROPHY, CONGENITAL, POMT2-RELATED; Muscular dystrophy-dystroglycanopathy (congenital with intellectual disability), type B2. Identifiers: MedGen C3150416, MONDO:0013160, OMIM 613156.
Muscular dystrophy-dystroglycanopathy (congenital with brain and eye anomalies), type A2. Also called: MUSCULAR DYSTROPHY-DYSTROGLYCANOPATHY (CONGENITAL WITH BRAIN AND EYE ANOMALIES), TYPE A, 2; WALKER-WARBURG SYNDROME OR MUSCLE-EYE-BRAIN DISEASE, POMT2-RELATED. Identifiers: Orphanet 588, Orphanet 899, MedGen C3150411, MONDO:0013154, OMIM 613150.
Autosomal recessive limb-girdle muscular dystrophy type 2N. Also called: MUSCULAR DYSTROPHY-DYSTROGLYCANOPATHY, LIMB-GIRDLE, POMT2-RELATED; Muscular dystrophy-dystroglycanopathy (limb-girdle), type C, 2. Identifiers: Orphanet 206559, MedGen C3150418, MONDO:0013162, OMIM 613158.

Submission:

Labcorp Genetics (formerly Invitae), Labcorp
Classification: Pathogenic for Muscular dystrophy-dystroglycanopathy (congenital with impaired intellectual development), type B, 2; Muscular dystrophy-dystroglycanopathy (congenital with brain and eye anomalies), type A2; Autosomal recessive limb-girdle muscular dystrophy type 2N. Last evaluated: 2025-09-24. Review status: criteria provided, single submitter. Criteria: Invitae Variant Classification Sherloc (09022015). Collection method: clinical testing. Allele origin: germline.
Comment: This sequence change creates a premature translational stop signal (p.Arg638*) in the POMT2 gene. It is expected to result in an absent or disrupted protein product. Loss-of-function variants in POMT2 are known to be pathogenic (PMID: 15894594). This variant is not present in population databases (gnomAD no frequency). This premature translational stop signal has been observed in individuals with Walker-Warburg syndrome (WWS) and/or muscular dystrophy (PMID: 15894594, 33124102). ClinVar contains an entry for this variant (Variation ID: 3218). For these reasons, this variant has been classified as Pathogenic.

Literature cited by the submitters: PubMed 15894594; PubMed 33124102.

NM_013382.7(POMT2):c.1911_1912delinsGT (p.Arg638Ter)

Gene: POMT2 (protein O-mannosyltransferase 2; minus strand). Cytogenetic location: 14q24.3.
Variant type: Indel.
Coding change: c.1911_1912delinsGT on transcript NM_013382.7 (MANE Select); coding-DNA positions 1911 to 1912, TC replaced by GT.
Protein change: p.Arg638Ter; replaces arginine 638 with a stop codon.
Molecular consequence: nonsense.
Genome position (GRCh38, 1-based): chr14:77,278,849-77,278,850, GA replaced by AC on the plus strand (TC replaced by GT on the coding strand, the reverse complement: POMT2 is on the minus strand). VCF-style: chr14-77278849-GA-AC. GRCh37 (hg19) VCF-style: chr14-77745192-GA-AC.
Other names: short protein forms R638*.
Identifiers: ClinVar variation 2927141 (VCV002927141.3), dbSNP rs2503156182, ClinGen allele CA2740097136.